The following is an entry in ClinVar:

NM_012260.4(HACL1):c.10A>G (p.Ser4Gly)

Genes: BTD (biotinidase; plus strand), HACL1 (2-hydroxyacyl-CoA lyase 1; minus strand). Cytogenetic location: 3p25.1.
Variant type: single nucleotide variant.
Coding change: c.10A>G on transcript NM_012260.4 (MANE Select); coding-DNA position 10, A replaced by G.
Protein change: p.Ser4Gly; replaces serine 4 with glycine.
Molecular consequence: missense variant. On other transcripts: non-coding transcript variant (1), 5 prime UTR variant (1).
Genome position (GRCh38, 1-based): chr3:15,601,454, T>C on the plus strand (A>G on the coding strand, the complement: HACL1 is on the minus strand). VCF-style: chr3-15601454-T-C. GRCh37 (hg19) VCF-style: chr3-15642961-T-C.
Other names: c.10A>G, p.Ser4Gly (NM_001284413.2, NM_001284415.2, NM_001284416.2); c.-210T>C (NM_001407365.1); short protein forms S4G.
Identifiers: ClinVar variation 5022566 (VCV005022566.1).

ClinVar aggregate classification (germline): Uncertain significance (1 of 4 stars; one submission).

gnomAD v4.1: 6 of 1,613,278 alleles (0.00037%); highest among the groups gnomAD compares: Admixed American, 0.0083%; no homozygotes.

Submission:

Ambry Genetics
Classification: Uncertain significance. Last evaluated: 2026-07-19. Review status: criteria provided, single submitter. Criteria: Ambry Variant Classification Scheme 2023. Collection method: clinical testing. Allele origin: germline.
Comment: The c.10A>G (p.S4G) alteration is located in exon 1 (coding exon 1) of the HACL1 gene. This alteration results from a A to G substitution at nucleotide position 10, causing the serine (S) at amino acid position 4 to be replaced by a glycine (G). Based on data from gnomAD, the G allele has an overall frequency of <0.001% (1/250804) total alleles studied. The highest observed frequency was <0.001% (/) of alleles. Based on insufficient or conflicting evidence, the clinical significance of this alteration remains unclear.